The following is an entry in ClinVar:

NM_001352754.2(ARMC9):c.664C>T (p.Arg222Cys)

Gene: ARMC9 (armadillo repeat containing 9; plus strand). Cytogenetic location: 2q37.1.
Variant type: single nucleotide variant.
Coding change: c.664C>T on transcript NM_001352754.2 (MANE Select); coding-DNA position 664, C replaced by T.
Protein change: p.Arg222Cys; replaces arginine 222 with cysteine.
Molecular consequence: missense variant. On other transcripts: non-coding transcript variant (1).
Genome position (GRCh38, 1-based): chr2:231,235,265, C>T. VCF-style: chr2-231235265-C-T. GRCh37 (hg19) VCF-style: chr2-232099978-C-T.
Other names: c.664C>T, p.Arg222Cys (NM_001271466.4, NM_001291656.2, NM_001352755.2 and 5 more transcripts); short protein forms R222C.
Identifiers: ClinVar variation 1524127 (VCV001524127.6), dbSNP rs765083908, ClinGen allele CA2160016.

ClinVar aggregate classification (germline): Uncertain significance (1 of 4 stars; one submission).

Allele frequency attached by ClinVar (database versions not stated): gnomAD exomes below 0.00001; ExAC 0.00001.
gnomAD v4.1: 4 of 1,614,070 alleles (0.00025%); highest among the groups gnomAD compares: South Asian, 0.0011%; no homozygotes.

Submission:

Labcorp Genetics (formerly Invitae), Labcorp
Classification: Uncertain significance. Last evaluated: 2021-08-15. Review status: criteria provided, single submitter. Criteria: Invitae Variant Classification Sherloc (09022015). Collection method: clinical testing. Allele origin: germline.
Comment: This sequence change replaces arginine with cysteine at codon 222 of the ARMC9 protein (p.Arg222Cys). The arginine residue is moderately conserved and there is a large physicochemical difference between arginine and cysteine. This variant is present in population databases (rs765083908, ExAC 0.009%). In summary, the available evidence is currently insufficient to determine the role of this variant in disease. Therefore, it has been classified as a Variant of Uncertain Significance. Experimental studies and prediction algorithms are not available or were not evaluated, and the functional significance of this variant is currently unknown. This variant has not been reported in the literature in individuals affected with ARMC9-related conditions.